The following is an entry in ClinVar:

NM_005876.5(SPEG):c.8836C>T (p.Pro2946Ser)

Genes: ASIC4-AS1 (ASIC4 antisense RNA 1; minus strand), SPEG (striated muscle enriched protein kinase; plus strand). Cytogenetic location: 2q35.
Variant type: single nucleotide variant.
Coding change: c.8836C>T on transcript NM_005876.5 (MANE Select); coding-DNA position 8836, C replaced by T.
Protein change: p.Pro2946Ser; replaces proline 2946 with serine.
Molecular consequence: missense variant.
Genome position (GRCh38, 1-based): chr2:219,489,854, C>T. VCF-style: chr2-219489854-C-T. GRCh37 (hg19) VCF-style: chr2-220354576-C-T.
Other names: short protein forms P2946S.
Identifiers: ClinVar variation 2115120 (VCV002115120.4), dbSNP rs1693803241, ClinGen allele CA350713030.
Genomic context (GRCh38, chr2:219,489,854, plus strand): 5'-AAGGTGACTGTGCAGAGCCTCAGCCCGGCCAAGGAGGTGGTCAGCTCCCCTGGGAGCAGT[C>T]CCCGAAGCTCTCCCAGGCCTGAGGGTACCACTCTTCGACAGGGTCCCCCTCAGAAACCCT-3'
Protein context (NP_005867.3, residues 2936-2956): KEVVSSPGSS[Pro2946Ser]RSSPRPEGTT

ClinVar aggregate classification (germline): Uncertain significance (1 of 4 stars; one submission).

Allele frequency attached by ClinVar (database versions not stated): gnomAD exomes below 0.00001; TOPMed below 0.00001.
gnomAD v4.1: 2 of 1,612,074 alleles (0.00012%); highest among the groups gnomAD compares: Non-Finnish European, 0.000085%; no homozygotes.

Submission:

Labcorp Genetics (formerly Invitae), Labcorp
Classification: Uncertain significance. Last evaluated: 2023-08-04. Review status: criteria provided, single submitter. Criteria: Invitae Variant Classification Sherloc (09022015). Collection method: clinical testing. Allele origin: germline.
Comment: This sequence change replaces proline, which is neutral and non-polar, with serine, which is neutral and polar, at codon 2946 of the SPEG protein (p.Pro2946Ser). This variant is not present in population databases (gnomAD no frequency). This variant has not been reported in the literature in individuals affected with SPEG-related conditions. ClinVar contains an entry for this variant (Variation ID: 2115120). Algorithms developed to predict the effect of missense changes on protein structure and function output the following: SIFT: "Not Available"; PolyPhen-2: "Benign"; Align-GVGD: "Not Available". The serine amino acid residue is found in multiple mammalian species, which suggests that this missense change does not adversely affect protein function. In summary, the available evidence is currently insufficient to determine the role of this variant in disease. Therefore, it has been classified as a Variant of Uncertain Significance.